The following is an entry in ClinVar:

ClinVar aggregate classification (germline): Likely pathogenic. Review status: criteria provided, multiple submitters, no conflicts (2 of 4 stars). 2 submissions from 2 submitters: Likely pathogenic (2). Last evaluated 2025-02-12.

Conditions:
Autosomal dominant nonsyndromic hearing loss 11. Identifiers: Orphanet 90635, MedGen C1832475, MONDO:0011032, OMIM 601317.

Submissions (2):

GeneDx
Classification: Likely pathogenic. Last evaluated: 2025-02-12. Review status: criteria provided, single submitter. Criteria: GeneDx Variant Classification Process June 2021. Collection method: clinical testing. Allele origin: germline. Affected: yes.
Comment: Not observed at significant frequency in large population cohorts (gnomAD); In-frame deletion of 1 amino acids in a non-repeat region; In silico analysis supports a deleterious effect on protein structure/function; This variant is associated with the following publications: (PMID: 34573976)

Medical Genetic Team, CHRU Montpellier
Classification: Likely pathogenic for Autosomal dominant nonsyndromic hearing loss 11. Last evaluated: 2019-10-18. Review status: criteria provided, single submitter. Criteria: ACMG Guidelines, 2015. Collection method: clinical testing. Allele origin: paternal. Inheritance: Autosomal dominant inheritance. Affected: yes. Observed: 4 variant alleles, 4 heterozygotes. Clinical features observed: Sensorineural hearing loss disorder (HP:0000407), Bilateral sensorineural hearing impairment (HP:0008619).
Comment: The Lys923del has been reported in 4 men in the same family with post-lingual, evolutive, sensorineural HL, with an age of onset after 30 years. It was absent in control database. It was classified as "likely pathogenic" according to ACMG criteria. Lui et al. (1997) reported a Japanese family with DFNA11 and an in-frame 9-bp deletion leading to deletion of three amino acids including two lysine at codons 887 and 888. This mutation and our variant are located in the same region: a Single Alpha-Helix (SAH) region. The SAH regions are rich in charged residues (arginine, lysine and glutamine) which are predicted to stabilize the alpha-helical structure by ionic bonds and are constant force springs in proteins.

NM_000260.4(MYO7A):c.2764AAG[1] (p.Lys923del)

Gene: MYO7A (myosin VIIA; plus strand). Cytogenetic location: 11q13.5.
Variant type: Microsatellite.
Coding change: c.2764AAG[1] on transcript NM_000260.4 (MANE Select); one copy of the 3-base unit AAG starting at c.2764; the reference has two copies in a row; one copy, 3 bases deleted; also written c.2767_2769del.
Protein change: p.Lys923del; deletes lysine 923.
Molecular consequence: inframe deletion.
Genome position (GRCh38, 1-based): chr11:77,181,452-77,181,454, AAG deleted; deleting any 3 consecutive bases within chr11:77,181,448-77,181,454 gives the same sequence; the position shown is the placement nearest the transcript's 3' end. VCF-style (leftmost placement, unchanged base first): chr11-77181447-GGAA-G. GRCh37 (hg19) VCF-style: chr11-76892493-GGAA-G.
Other names: c.2764AAG[1], p.Lys923del (NM_001127180.2); c.2731AAG[1], p.Lys912del (NM_001369365.1); c.2767_2769del (NM_000260.3); short protein forms K912del, K923del.
Identifiers: ClinVar variation 930183 (VCV000930183.4), dbSNP rs1955175992, ClinGen allele CA1984111924.